The following is an entry in ClinVar:

NM_018972.4(GDAP1):c.694+6T>A

Gene: GDAP1 (ganglioside induced differentiation associated protein 1; plus strand). Cytogenetic location: 8q21.11.
Variant type: single nucleotide variant.
Coding change: c.694+6T>A on transcript NM_018972.4 (MANE Select); 6 bases into the intron after coding-DNA position 694, T replaced by A.
Molecular consequence: intron variant.
Genome position (GRCh38, 1-based): chr8:74,363,059, T>A. VCF-style: chr8-74363059-T-A. GRCh37 (hg19) VCF-style: chr8-75275294-T-A.
Other names: c.694+6T>A (NM_001362931.2); c.520+6T>A (NM_001362930.2); c.367+6T>A (NM_001362929.2, NM_001362932.2); c.490+6T>A (NM_001040875.4).
Identifiers: ClinVar variation 4728458 (VCV004728458.1).

ClinVar aggregate classification (germline): Uncertain significance (1 of 4 stars; one submission).

Conditions:
Charcot-Marie-Tooth disease type 4A. Also called: Charcot-Marie-Tooth disease, demyelinating, autosomal recessive, type 4a. Identifiers: Orphanet 99948, MedGen C1859198, MONDO:0008961, OMIM 214400.

Submission:

Labcorp Genetics (formerly Invitae), Labcorp
Classification: Uncertain significance for Charcot-Marie-Tooth disease type 4A. Last evaluated: 2025-10-04. Review status: criteria provided, single submitter. Criteria: Invitae Variant Classification Sherloc (09022015). Collection method: clinical testing. Allele origin: germline.
Comment: This sequence change falls in intron 5 of the GDAP1 gene. It does not directly change the encoded amino acid sequence of the GDAP1 protein. It affects a nucleotide within the consensus splice site. This variant is not present in population databases (gnomAD no frequency). This variant has not been reported in the literature in individuals affected with GDAP1-related conditions. Variants that disrupt the consensus splice site are a relatively common cause of aberrant splicing (PMID: 17576681, 9536098). Algorithms developed to predict the effect of sequence changes on RNA splicing suggest that this variant is not likely to affect RNA splicing. In summary, the available evidence is currently insufficient to determine the role of this variant in disease. Therefore, it has been classified as a Variant of Uncertain Significance.

Literature cited by the submitters: PubMed 17576681; PubMed 9536098.